The following is an entry in ClinVar:

ClinVar aggregate classification (germline): Uncertain significance (1 of 4 stars; one submission).

Allele frequency attached by ClinVar (database versions not stated): gnomAD exomes below 0.00001 and 0.00001; gnomAD 0.00001; TOPMed 0.00001; 1000 Genomes Project 30x 0.00016.
gnomAD v4.1: 7 of 1,613,656 alleles (0.00043%); highest among the groups gnomAD compares: East Asian, 0.016%; no homozygotes.

Submission:

GeneDx
Classification: Uncertain significance. Last evaluated: 2016-03-08. Review status: criteria provided, single submitter. Criteria: GeneDx Variant Classification (06012015). Collection method: clinical testing. Allele origin: germline. Affected: yes.
Comment: The M88V variant in the CACNA1G gene has not been reported previously as a pathogenic variant, nor as a benign variant, to our knowledge. The M88V variant was not observed in approximately 6400 individuals of European and African American ancestry in the NHLBI Exome Sequencing Project, indicating it is not a common benign variant in these populations. The M88V variant is a conservative amino acid substitution, which is not likely to impact secondary protein structure as these residues share similar properties. This substitution occurs at a position where amino acids with similar properties to Methionine are tolerated across species. However, in silico analysis predicts this variant is probably damaging to the protein structure/function. We interpret M88V as a variant of uncertain significance.

NM_018896.5(CACNA1G):c.262A>G (p.Met88Val)

Gene: CACNA1G (calcium voltage-gated channel subunit alpha1 G; plus strand). Cytogenetic location: 17q21.33.
Variant type: single nucleotide variant.
Coding change: c.262A>G on transcript NM_018896.5 (MANE Select); coding-DNA position 262, A replaced by G.
Protein change: p.Met88Val; replaces methionine 88 with valine.
Molecular consequence: missense variant. On other transcripts: non-coding transcript variant (5).
Genome position (GRCh38, 1-based): chr17:50,568,889, A>G. VCF-style: chr17-50568889-A-G. GRCh37 (hg19) VCF-style: chr17-48646250-A-G.
Other names: c.262A>G, p.Met88Val (NM_001256324.2, NM_001256325.2, NM_001256326.2 and 24 more transcripts); short protein forms M88V.
Identifiers: ClinVar variation 384332 (VCV000384332.2), dbSNP rs1057521926, ClinGen allele CA16607378.
Genomic context (GRCh38, chr17:50,568,889, plus strand): 5'-CAGCTCCAGCCTTGGCCAGCTGTTTCCTTGACTGCCAGTACCTGGTTTGAGCGCATCAGC[A>G]TGTTGGTCATCCTTCTCAACTGCGTGACCCTGGGCATGTTCCGGCCATGCGAGGACATCG-3'
Protein context (NP_061496.2, residues 78-98): VCNPWFERIS[Met88Val]LVILLNCVTL